The following is an entry in ClinVar:

ClinVar aggregate classification (germline): Pathogenic (1 of 4 stars; one submission).

gnomAD v4.1: 20 of 1,613,628 alleles (0.0012%); highest among the groups gnomAD compares: African/African-American, 0.011%; no homozygotes.

Submission:

GeneDx
Classification: Pathogenic. Last evaluated: 2024-03-07. Review status: criteria provided, single submitter. Criteria: GeneDx Variant Classification Process June 2021. Collection method: clinical testing. Allele origin: germline. Affected: yes.
Comment: Observed in an individual with atopic dermatitis in published literature (PMID: 24608987); Nonsense variant in the C-terminus predicted to result in protein truncation, as the last 3492 amino acids are lost, and other loss-of-function variants have been reported downstream in the Human Gene Mutation Database (HGMD); This variant is associated with the following publications: (PMID: 31365035, 24608987)

NM_002016.2(FLG):c.1708C>T (p.Gln570Ter)

Genes: CCDST (cervical cancer associated DHX9 suppressive transcript; plus strand), FLG (filaggrin; minus strand). Cytogenetic location: 1q21.3.
Variant type: single nucleotide variant.
Coding change: c.1708C>T on transcript NM_002016.2 (MANE Select); coding-DNA position 1708, C replaced by T.
Protein change: p.Gln570Ter; replaces glutamine 570 with a stop codon.
Molecular consequence: nonsense.
Genome position (GRCh38, 1-based): chr1:152,313,178, G>A on the plus strand (C>T on the coding strand, the complement: FLG is on the minus strand). VCF-style: chr1-152313178-G-A. GRCh37 (hg19) VCF-style: chr1-152285654-G-A.
Other names: short protein forms Q570*.
Identifiers: ClinVar variation 3340291 (VCV003340291.1).